The following is an entry in ClinVar:

ClinVar aggregate classification (germline): Uncertain significance (1 of 4 stars; one submission).

Allele frequency attached by ClinVar (database versions not stated): ExAC 0.00001; gnomAD exomes 0.00001; gnomAD 0.00002; TOPMed 0.00002.
gnomAD v4.1: 19 of 1,614,010 alleles (0.0012%); highest among the groups gnomAD compares: East Asian, 0.013%; no homozygotes.

Submission:

Labcorp Genetics (formerly Invitae), Labcorp
Classification: Uncertain significance. Last evaluated: 2023-02-11. Review status: criteria provided, single submitter. Criteria: Invitae Variant Classification Sherloc (09022015). Collection method: clinical testing. Allele origin: germline.
Comment: In summary, the available evidence is currently insufficient to determine the role of this variant in disease. Therefore, it has been classified as a Variant of Uncertain Significance. Algorithms developed to predict the effect of missense changes on protein structure and function output the following: SIFT: "Tolerated"; PolyPhen-2: "Benign"; Align-GVGD: "Class C0". The glutamine amino acid residue is found in multiple mammalian species, which suggests that this missense change does not adversely affect protein function. This variant has not been reported in the literature in individuals affected with BLVRA-related conditions. This variant is present in population databases (rs772321543, gnomAD 0.02%). This sequence change replaces arginine, which is basic and polar, with glutamine, which is neutral and polar, at codon 193 of the BLVRA protein (p.Arg193Gln).

NM_000712.4(BLVRA):c.578G>A (p.Arg193Gln)

Gene: BLVRA (biliverdin reductase A; plus strand). Cytogenetic location: 7p13.
Variant type: single nucleotide variant.
Coding change: c.578G>A on transcript NM_000712.4 (MANE Select); coding-DNA position 578, G replaced by A.
Protein change: p.Arg193Gln; replaces arginine 193 with glutamine.
Molecular consequence: missense variant.
Genome position (GRCh38, 1-based): chr7:43,803,793, G>A. VCF-style: chr7-43803793-G-A. GRCh37 (hg19) VCF-style: chr7-43843392-G-A.
Other names: c.578G>A, p.Arg193Gln (NM_001253823.2); short protein forms R193Q.
Identifiers: ClinVar variation 2906298 (VCV002906298.3), dbSNP rs772321543, ClinGen allele CA4234147.